The following is an entry in ClinVar:

NM_058179.4(PSAT1):c.1025G>A (p.Arg342Gln)

Gene: PSAT1 (phosphoserine aminotransferase 1; plus strand). Cytogenetic location: 9q21.2.
Variant type: single nucleotide variant.
Coding change: c.1025G>A on transcript NM_058179.4 (MANE Select); coding-DNA position 1025, G replaced by A.
Protein change: p.Arg342Gln; replaces arginine 342 with glutamine.
Molecular consequence: missense variant.
Genome position (GRCh38, 1-based): chr9:78,328,998, G>A. VCF-style: chr9-78328998-G-A. GRCh37 (hg19) VCF-style: chr9-80943914-G-A.
Other names: c.887G>A, p.Arg296Gln (NM_021154.5); short protein forms R296Q, R342Q.
Identifiers: ClinVar variation 977010 (VCV000977010.9), dbSNP rs748711682, ClinGen allele CA5095798.

ClinVar aggregate classification (germline): Uncertain significance. Review status: criteria provided, single submitter (1 of 4 stars). 2 submissions from 2 submitters: Uncertain significance (1). 1 of the submissions does not count toward it. Last evaluated 2024-11-05.

Conditions:
Neu-Laxova syndrome 2. Identifiers: Orphanet 2671, Orphanet 583602, MedGen C4015019, MONDO:0014466, OMIM 616038.

Allele frequency attached by ClinVar (database versions not stated): ExAC 0.00001; gnomAD exomes 0.00001; TOPMed 0.00002; gnomAD 0.00003.
gnomAD v4.1: 12 of 1,613,620 alleles (0.00074%); highest among the groups gnomAD compares: African/African-American, 0.0027%; no homozygotes.

Submissions (2):

Labcorp Genetics (formerly Invitae), Labcorp
Classification: Uncertain significance for Neu-Laxova syndrome 2. Last evaluated: 2024-11-05. Review status: criteria provided, single submitter. Criteria: Invitae Variant Classification Sherloc (09022015). Collection method: clinical testing. Allele origin: germline.
Comment: This sequence change replaces arginine, which is basic and polar, with glutamine, which is neutral and polar, at codon 342 of the PSAT1 protein (p.Arg342Gln). This variant is present in population databases (rs748711682, gnomAD 0.004%). This variant has not been reported in the literature in individuals affected with PSAT1-related conditions. ClinVar contains an entry for this variant (Variation ID: 977010). Invitae Evidence Modeling of protein sequence and biophysical properties (such as structural, functional, and spatial information, amino acid conservation, physicochemical variation, residue mobility, and thermodynamic stability) indicates that this missense variant is expected to disrupt PSAT1 protein function with a positive predictive value of 80%. Experimental studies have shown that this missense change affects PSAT1 function (PMID: 32077105). In summary, the available evidence is currently insufficient to determine the role of this variant in disease. Therefore, it has been classified as a Variant of Uncertain Significance.

Dudley Research Group, Pacific Northwest Research Institute
No classification provided. Review status: no classification provided. Collection method: research, in vivo. Allele origin: unknown, not applicable. Functional consequence: loss_of_function_variant. Not counted in ClinVar's aggregate classification.

Literature cited by the submitters: PubMed 32077105 (cited by Labcorp Genetics (formerly Invitae), Labcorp).